The following is an entry in ClinVar:

ClinVar aggregate classification (germline): Uncertain significance. Review status: criteria provided, multiple submitters, no conflicts (2 of 4 stars). 2 submissions from 2 submitters: Uncertain significance (2). Last evaluated 2022-01-19.

Conditions:
Polycystic kidney disease 4 (PKD4). Also called: Autosomal Recessive Polycystic Kidney Disease – PKHD1; PKD3; POLYCYSTIC KIDNEY AND HEPATIC DISEASE 1; POLYCYSTIC KIDNEY DISEASE, INFANTILE, TYPE I; POLYCYSTIC KIDNEY DISEASE 4 WITH OR WITHOUT POLYCYSTIC LIVER DISEASE. Identifiers: MedGen C4540575, MONDO:0033004, OMIM 263200.
Autosomal recessive polycystic kidney disease (ARPKD). Also called: AR polycystic kidney disease. Identifiers: Orphanet 731, Orphanet 8378, MedGen C0085548, MeSH D017044, MONDO:0009889.

Submissions (2):

Fulgent Genetics
Classification: Uncertain significance for Polycystic kidney disease 4. Last evaluated: 2022-01-19. Review status: criteria provided, single submitter. Criteria: ACMG Guidelines, 2015. Collection method: clinical testing. Allele origin: unknown.

Labcorp Genetics (formerly Invitae), Labcorp
Classification: Uncertain significance for Autosomal recessive polycystic kidney disease. Last evaluated: 2017-10-06. Review status: criteria provided, single submitter. Criteria: Invitae Variant Classification Sherloc (09022015). Collection method: clinical testing. Allele origin: germline.
Comment: In summary, the available evidence is currently insufficient to determine the role of this variant in disease. Therefore, it has been classified as a Variant of Uncertain Significance. Algorithms developed to predict the effect of missense changes on protein structure and function do not agree on the potential impact of this missense change (SIFT: "Deleterious"; PolyPhen-2: "Possibly Damaging"; Align-GVGD: "Class C0"). This variant has not been reported in the literature in individuals with PKHD1-related disease. This variant is not present in population databases (ExAC no frequency). This sequence change replaces leucine with proline at codon 3494 of the PKHD1 protein (p.Leu3494Pro). The leucine residue is moderately conserved and there is a moderate physicochemical difference between leucine and proline.

NM_138694.4(PKHD1):c.10481T>C (p.Leu3494Pro)

Gene: PKHD1 (PKHD1 ciliary IPT domain containing fibrocystin/polyductin; minus strand). Cytogenetic location: 6p12.3.
Variant type: single nucleotide variant.
Coding change: c.10481T>C on transcript NM_138694.4 (MANE Select); coding-DNA position 10481, T replaced by C.
Protein change: p.Leu3494Pro; replaces leucine 3494 with proline.
Molecular consequence: missense variant.
Genome position (GRCh38, 1-based): chr6:51,659,645, A>G on the plus strand (T>C on the coding strand, the complement: PKHD1 is on the minus strand). VCF-style: chr6-51659645-A-G. GRCh37 (hg19) VCF-style: chr6-51524443-A-G.
Other names: short protein forms L3494P.
Identifiers: ClinVar variation 528291 (VCV000528291.10), dbSNP rs1554183514, ClinGen allele CA364434848.